The following is an entry in ClinVar:

NM_004036.5(ADCY3):c.1644C>G (p.Pro548=)

Gene: ADCY3 (adenylate cyclase 3; minus strand). Cytogenetic location: 2p23.3.
Variant type: single nucleotide variant.
Coding change: c.1644C>G on transcript NM_004036.5 (MANE Select); coding-DNA position 1644, C replaced by G.
Protein change: p.Pro548=; no amino-acid change (proline 548 retained).
Molecular consequence: synonymous variant.
Genome position (GRCh38, 1-based): chr2:24,836,935, G>C on the plus strand (C>G on the coding strand, the complement: ADCY3 is on the minus strand). VCF-style: chr2-24836935-G-C. GRCh37 (hg19) VCF-style: chr2-25059804-G-C.
Other names: c.1644C>G, p.Pro548= (NM_001320613.2, NM_001377129.1, NM_001377130.1 and 1 more transcripts); c.1710C>G, p.Pro570= (NM_001377128.1); c.921C>G, p.Pro307= (NM_001377131.1).
Identifiers: ClinVar variation 3346862 (VCV003346862.1).

ClinVar aggregate classification (germline): Likely benign (0 of 4 stars; one submission).

Conditions:
ADCY3-related disorder. Also called: ADCY3-related condition.

gnomAD v4.1: 4 of 1,613,242 alleles (0.00025%); highest among the groups gnomAD compares: Middle Eastern, 0.018%; no homozygotes.

Submission:

PreventionGenetics, part of Exact Sciences
Classification: Likely benign for ADCY3-related condition. Last evaluated: 2024-05-14. Review status: no assertion criteria provided. Collection method: clinical testing. Allele origin: germline.
Comment: This variant is classified as likely benign based on ACMG/AMP sequence variant interpretation guidelines (Richards et al. 2015 PMID: 25741868, with internal and published modifications).